The following is an entry in ClinVar:

NM_001267550.2(TTN):c.33172G>A (p.Val11058Met)

Gene: TTN (titin; minus strand). Cytogenetic location: 2q31.2.
Variant type: single nucleotide variant.
Coding change: c.33172G>A on transcript NM_001267550.2 (MANE Select); coding-DNA position 33172, G replaced by A.
Protein change: p.Val11058Met; replaces valine 11058 with methionine.
Molecular consequence: missense variant. On other transcripts: intron variant (3).
Genome position (GRCh38, 1-based): chr2:178,681,661, C>T on the plus strand (G>A on the coding strand, the complement: TTN is on the minus strand). VCF-style: chr2-178681661-C-T. GRCh37 (hg19) VCF-style: chr2-179546388-C-T.
Other names: c.29440G>A, p.Val9814Met (NM_133378.4); c.13283-39344G>A (NM_003319.4); c.13859-39344G>A (NM_133437.4); c.13658-39344G>A (NM_133432.3); c.32221G>A, p.Val10741Met (NM_001256850.1); short protein forms V10741M, V11058M, V9814M.
Identifiers: ClinVar variation 2035021 (VCV002035021.5), dbSNP rs2474016367, ClinGen allele CA349539906.

ClinVar aggregate classification (germline): Uncertain significance. Review status: criteria provided, multiple submitters, no conflicts (2 of 4 stars). 2 submissions from 2 submitters: Uncertain significance (2). Last evaluated 2025-08-06.

Conditions:
Dilated cardiomyopathy 1G (CMD1G). Identifiers: Orphanet 154, MedGen C1858763, MONDO:0011400, OMIM 604145.
Autosomal recessive limb-girdle muscular dystrophy type 2J (LGMDR10). Also called: Limb-girdle muscular dystrophy, type 2J; MUSCULAR DYSTROPHY, LIMB-GIRDLE, AUTOSOMAL RECESSIVE 10. Identifiers: Orphanet 140922, MedGen C1837342, MONDO:0012127, OMIM 608807.

Submissions (2):

GeneDx
Classification: Uncertain significance. Last evaluated: 2025-08-06. Review status: criteria provided, single submitter. Criteria: GeneDx Variant Classification Process June 2021. Collection method: clinical testing. Allele origin: germline. Affected: yes.
Comment: Not observed at significant frequency in large population cohorts (gnomAD); In silico analysis supports that this missense variant has a deleterious effect on splicing; Has not been previously published as pathogenic or benign to our knowledge

Labcorp Genetics (formerly Invitae), Labcorp
Classification: Uncertain significance for Dilated cardiomyopathy 1G; Autosomal recessive limb-girdle muscular dystrophy type 2J. Last evaluated: 2022-10-10. Review status: criteria provided, single submitter. Criteria: Invitae Variant Classification Sherloc (09022015). Collection method: clinical testing. Allele origin: germline.
Comment: This variant is located in the I band of TTN (PMID: 25589632). Variants in this region may be clinically relevant, but have not been definitively shown to cause cardiomyopathy or neuromuscular disease (PMID: 27493940, 32778822). In summary, the available evidence is currently insufficient to determine the role of this variant in disease. Therefore, it has been classified as a Variant of Uncertain Significance. Variants that disrupt the consensus splice site are a relatively common cause of aberrant splicing (PMID: 17576681, 9536098). Algorithms developed to predict the effect of sequence changes on RNA splicing suggest that this variant may disrupt the consensus splice site. Experimental studies and prediction algorithms are not available or were not evaluated, and the functional significance of this variant is currently unknown. This variant has not been reported in the literature in individuals affected with TTN-related conditions. This variant is not present in population databases (gnomAD no frequency). This sequence change replaces valine, which is neutral and non-polar, with methionine, which is neutral and non-polar, at codon 11058 of the TTN protein (p.Val11058Met). This variant also falls at the last nucleotide of exon 136, which is part of the consensus splice site for this exon.

Literature cited by the submitters: PubMed 25589632 (cited by Labcorp Genetics (formerly Invitae), Labcorp); PubMed 27493940 (cited by Labcorp Genetics (formerly Invitae), Labcorp); PubMed 32778822 (cited by Labcorp Genetics (formerly Invitae), Labcorp); PubMed 17576681 (cited by Labcorp Genetics (formerly Invitae), Labcorp); PubMed 9536098 (cited by Labcorp Genetics (formerly Invitae), Labcorp).